The following is an entry in ClinVar:

NM_022047.4(DEF6):c.583C>T (p.Arg195Trp)

Gene: DEF6 (DEF6 guanine nucleotide exchange factor; plus strand). Cytogenetic location: 6p21.31.
Variant type: single nucleotide variant.
Coding change: c.583C>T on transcript NM_022047.4 (MANE Select); coding-DNA position 583, C replaced by T.
Protein change: p.Arg195Trp; replaces arginine 195 with tryptophan.
Molecular consequence: missense variant.
Genome position (GRCh38, 1-based): chr6:35,312,461, C>T. VCF-style: chr6-35312461-C-T. GRCh37 (hg19) VCF-style: chr6-35280238-C-T.
Other names: short protein forms R195W.
Identifiers: ClinVar variation 1472886 (VCV001472886.6), dbSNP rs543938116, ClinGen allele CA3770750.

ClinVar aggregate classification (germline): Uncertain significance (1 of 4 stars; one submission).

Allele frequency attached by ClinVar (database versions not stated): gnomAD 0.00001; gnomAD exomes 0.00001 and 0.00003; TOPMed 0.00001; ExAC 0.00003; 1000 Genomes Project 30x 0.00016; 1000 Genomes Project 0.00020.
gnomAD v4.1: 18 of 1,614,114 alleles (0.0011%); highest among the groups gnomAD compares: South Asian, 0.0066%; no homozygotes.

Submission:

Labcorp Genetics (formerly Invitae), Labcorp
Classification: Uncertain significance. Last evaluated: 2025-10-12. Review status: criteria provided, single submitter. Criteria: Invitae Variant Classification Sherloc (09022015). Collection method: clinical testing. Allele origin: germline.
Comment: This sequence change replaces arginine, which is basic and polar, with tryptophan, which is neutral and slightly polar, at codon 195 of the DEF6 protein (p.Arg195Trp). This variant is present in population databases (rs543938116, gnomAD 0.006%). This variant has not been reported in the literature in individuals affected with DEF6-related conditions. ClinVar contains an entry for this variant (Variation ID: 1472886). An algorithm developed to predict the effect of missense changes on protein structure and function (PolyPhen-2) suggests that this variant is likely to be disruptive. In summary, the available evidence is currently insufficient to determine the role of this variant in disease. Therefore, it has been classified as a Variant of Uncertain Significance.